The following is an entry in ClinVar:

ClinVar aggregate classification (germline): Benign (3 of 4 stars; one submission).

Conditions:
Breast-ovarian cancer, familial, susceptibility to, 1 (BROVCA1). Also called: OVARIAN CANCER, SUSCEPTIBILITY TO; BRCA1 Hereditary Breast and Ovarian Cancer. Identifiers: Orphanet 145, MedGen C2676676, MONDO:0011450, OMIM 604370. Disease mechanism: loss of function.

Allele frequency attached by ClinVar (database versions not stated): 1000 Genomes Project 0.01318; 1000 Genomes Project 30x 0.01359; TOPMed 0.02212; gnomAD 0.02503.
gnomAD v4.1: 3,752 of 152,148 alleles (2.5%); highest among the groups gnomAD compares: Non-Finnish European, 3.5%; 75 homozygotes.

Submission:

Evidence-based Network for the Interpretation of Germline Mutant Alleles (ENIGMA)
Classification: Benign for Breast-ovarian cancer, familial 1. Last evaluated: 2015-01-12. Review status: reviewed by expert panel. Criteria: ENIGMA BRCA1/2 Classification Criteria (2015). Collection method: curation. Allele origin: germline.
Comment: Class 1 not pathogenic based on frequency >1% in an outbred sampleset. Frequency 0.04 (European), derived from 1000 genomes (2012-04-30).

NM_007294.3(BRCA1):c.-1619G>A

Genes: BRCA1 (BRCA1 DNA repair associated; minus strand), NBR2 (neighbor of BRCA1 lncRNA 2; plus strand), LOC111589215 (BRCA1 promoter region; plus strand). Cytogenetic location: 17q21.31.
Variant type: single nucleotide variant.
Coding change: c.-1619G>A on transcript NM_007294.3; 1619 bases upstream of the start codon, G replaced by A.
Molecular consequence: intron variant (on NM_001408458.1).
Genome position (GRCh38, 1-based): chr17:43,126,870, C>T on the plus strand (G>A on the coding strand, the complement: BRCA1 is on the minus strand). VCF-style: chr17-43126870-C-T. GRCh37 (hg19) VCF-style: chr17-41278887-C-T.
Other names: -1500 G>A; c.-61-11091G>A (NM_001408458.1).
Identifiers: ClinVar variation 209586 (VCV000209586.3), dbSNP rs144412026, ClinGen allele CA276555.